The following is an entry in ClinVar:

NM_003052.5(SLC34A1):c.365G>T (p.Ser122Ile)

Gene: SLC34A1 (solute carrier family 34 member 1; plus strand). Cytogenetic location: 5q35.3.
Variant type: single nucleotide variant.
Coding change: c.365G>T on transcript NM_003052.5 (MANE Select); coding-DNA position 365, G replaced by T.
Protein change: p.Ser122Ile; replaces serine 122 with isoleucine.
Molecular consequence: missense variant.
Genome position (GRCh38, 1-based): chr5:177,386,326, G>T. VCF-style: chr5-177386326-G-T. GRCh37 (hg19) VCF-style: chr5-176813327-G-T.
Other names: c.365G>T, p.Ser122Ile (NM_001167579.2); short protein forms S122I.
Identifiers: ClinVar variation 3061331 (VCV003061331.2), dbSNP rs772044990, ClinGen allele CA132877965.
Genomic context (GRCh38, chr5:177,386,326, plus strand): 5'-TCAAGGTGCCACTGATGCTCACCTTCCTCTACCTCTTCGTCTGCTCCCTGGACATGCTCA[G>T]CTCGGCCTTCCAGCTGGCTGGAGGTAGGGCCCGGGTGGAGGAGACCTGGGAGGGGTTCCT-3'
Protein context (NP_003043.3, residues 112-132): YLFVCSLDML[Ser122Ile]SAFQLAGGKV

ClinVar aggregate classification (germline): Uncertain significance (0 of 4 stars; one submission).

Conditions:
SLC34A1-related disorder. Also called: SLC34A1-related disorders; SLC34A1-related condition.

Allele frequency attached by ClinVar (database versions not stated): TOPMed 0.00002; gnomAD 0.00003.
gnomAD v4.1: 7 of 1,614,140 alleles (0.00043%); highest among the groups gnomAD compares: African/African-American, 0.0093%; no homozygotes.

Submission:

PreventionGenetics, part of Exact Sciences
Classification: Uncertain significance for SLC34A1-related condition. Last evaluated: 2024-02-19. Review status: no assertion criteria provided. Collection method: clinical testing. Allele origin: germline.
Comment: The SLC34A1 c.365G>T variant is predicted to result in the amino acid substitution p.Ser122Ile. To our knowledge, this variant has not been reported in the literature. This variant is reported in 0.011% of alleles in individuals of African descent in gnomAD. At this time, the clinical significance of this variant is uncertain due to the absence of conclusive functional and genetic evidence.